The following is an entry in ClinVar:

NM_001110556.2(FLNA):c.2474A>T (p.Asp825Val)

Gene: FLNA (filamin A; minus strand). Cytogenetic location: Xq28.
Variant type: single nucleotide variant.
Coding change: c.2474A>T on transcript NM_001110556.2 (MANE Select); coding-DNA position 2474, A replaced by T.
Protein change: p.Asp825Val; replaces aspartic acid 825 with valine.
Molecular consequence: missense variant.
Genome position (GRCh38, 1-based): chrX:154,362,509, T>A on the plus strand (A>T on the coding strand, the complement: FLNA is on the minus strand). VCF-style: chrX-154362509-T-A. GRCh37 (hg19) VCF-style: chrX-153590877-T-A.
Other names: c.2474A>T, p.Asp825Val (NM_001456.4); short protein forms D825V.
Identifiers: ClinVar variation 3775485 (VCV003775485.1).
Genomic context (GRCh38, chrX:154,362,509, plus strand): 5'-CTGCCAGCCCCCCGGGGCGTGTACTTGACCGTGAAGGTGTCATTGTCATTGCGGATGATG[T>A]CGAAGTCGATGTCAGCTTCGGCGGGGCCTACCACTCCAGGGGCACACTTGATGCCGATGC-3'
Protein context (NP_001104026.1, residues 815-835): VGPAEADIDF[Asp825Val]IIRNDNDTFT

ClinVar aggregate classification (germline): Uncertain significance (1 of 4 stars; one submission).

Conditions:
Melnick-Needles syndrome (MNS). Also called: Melnick-Needles Syndrome (FLNA-MNS); MELNICK-NEEDLES OSTEODYSPLASTY; OSTEODYSPLASTY OF MELNICK AND NEEDLES. Identifiers: Orphanet 2484, MedGen C0025237, MONDO:0010650, OMIM 309350.

Submission:

3billion
Classification: Uncertain significance for Melnick-Needles syndrome. Last evaluated: 2023-07-17. Review status: criteria provided, single submitter. Criteria: ACMG Guidelines, 2015. Collection method: clinical testing. Allele origin: germline. Affected: yes.
Comment: The variant is not observed in the gnomAD v2.1.1 dataset. Predicted Consequence/Location: Missense variant In silico tool predictions suggest damaging effect of the variant on gene or gene product (REVEL: 0.82; 3Cnet: 0.08). Therefore, this variant is classified as VUS according to the recommendation of ACMG/AMP guideline.